The following is an entry in ClinVar:

NM_032043.3(BRIP1):c.2135G>T (p.Gly712Val)

Gene: BRIP1 (BRCA1 interacting DNA helicase 1; minus strand). Cytogenetic location: 17q23.2.
Variant type: single nucleotide variant.
Coding change: c.2135G>T on transcript NM_032043.3 (MANE Select); coding-DNA position 2135, G replaced by T.
Protein change: p.Gly712Val; replaces glycine 712 with valine.
Molecular consequence: missense variant.
Genome position (GRCh38, 1-based): chr17:61,744,554, C>A on the plus strand (G>T on the coding strand, the complement: BRIP1 is on the minus strand). VCF-style: chr17-61744554-C-A. GRCh37 (hg19) VCF-style: chr17-59821915-C-A.
Other names: short protein forms G712V.
Identifiers: ClinVar variation 407830 (VCV000407830.11), dbSNP rs1060501755, ClinGen allele CA16615831.

ClinVar aggregate classification (germline): Uncertain significance. Review status: criteria provided, multiple submitters, no conflicts (2 of 4 stars). 2 submissions from 2 submitters: Uncertain significance (2). Last evaluated 2024-08-20.

Conditions:
Familial cancer of breast. Also called: Hereditary breast cancer; hereditary breast carcinoma; BREAST CANCER, FAMILIAL. Identifiers: Orphanet 227535, MedGen C0346153, MONDO:0016419, OMIM 114480. Disease mechanism: loss of function.
Fanconi anemia complementation group J. Also called: BRIP1-Related Fanconi Anemia. Identifiers: Orphanet 84, MedGen C1836860, MONDO:0012187, OMIM 609054.

Submissions (2):

Labcorp Genetics (formerly Invitae), Labcorp
Classification: Uncertain significance for Familial cancer of breast; Fanconi anemia complementation group J. Last evaluated: 2024-08-20. Review status: criteria provided, single submitter. Criteria: Invitae Variant Classification Sherloc (09022015). Collection method: clinical testing. Allele origin: germline.
Comment: This sequence change replaces glycine, which is neutral and non-polar, with valine, which is neutral and non-polar, at codon 712 of the BRIP1 protein (p.Gly712Val). This variant is not present in population databases (gnomAD no frequency). This variant has not been reported in the literature in individuals affected with BRIP1-related conditions. ClinVar contains an entry for this variant (Variation ID: 407830). Invitae Evidence Modeling of protein sequence and biophysical properties (such as structural, functional, and spatial information, amino acid conservation, physicochemical variation, residue mobility, and thermodynamic stability) indicates that this missense variant is not expected to disrupt BRIP1 protein function with a negative predictive value of 80%. In summary, the available evidence is currently insufficient to determine the role of this variant in disease. Therefore, it has been classified as a Variant of Uncertain Significance.

GeneDx
Classification: Uncertain significance. Last evaluated: 2021-05-28. Review status: criteria provided, single submitter. Criteria: GeneDx Variant Classification Process June 2021. Collection method: clinical testing. Allele origin: germline. Affected: yes.
Comment: Not observed at significant frequency in large population cohorts (Lek 2016); In silico analysis supports that this missense variant has a deleterious effect on protein structure/function; Has not been previously published as pathogenic or benign to our knowledge; This variant is associated with the following publications: (PMID: 27535533)